The following is an entry in ClinVar:

NM_003482.4(KMT2D):c.11233_11277del (p.Gln3745_Gln3759del)

Gene: KMT2D (lysine methyltransferase 2D; minus strand). Cytogenetic location: 12q13.12.
Variant type: Deletion.
Coding change: c.11233_11277del on transcript NM_003482.4 (MANE Select); coding-DNA positions 11233 to 11277, 45 bases deleted.
Protein change: p.Gln3745_Gln3759del.
Molecular consequence: inframe deletion.
Genome position (GRCh38, 1-based): chr12:49,033,428-49,033,472, 45 bases deleted; deleting any 45 consecutive bases within chr12:49,033,428-49,033,490 gives the same sequence; the c. name uses the placement nearest the transcript's 3' end. GRCh37 (hg19): chr12:49,427,229-49,427,273.
Identifiers: ClinVar variation 2158053 (VCV002158053.5), dbSNP rs774171901, ClinGen allele CA6546332.

ClinVar aggregate classification (germline): Conflicting classifications of pathogenicity. Review status: criteria provided, conflicting classifications (1 of 4 stars). 2 submissions from 2 submitters: Uncertain significance (1); Likely benign (1). Last evaluated 2023-06-23.

Conditions:
Kabuki syndrome. Also called: NIIKAWA-KUROKI SYNDROME; Kabuki make-up syndrome. Identifiers: Orphanet 2322, MedGen C0796004, MONDO:0016512.

Submissions (2):

Labcorp Genetics (formerly Invitae), Labcorp
Classification: Uncertain significance for Kabuki syndrome. Last evaluated: 2023-06-23. Review status: criteria provided, single submitter. Criteria: Invitae Variant Classification Sherloc (09022015). Collection method: clinical testing. Allele origin: germline.
Comment: In summary, the available evidence is currently insufficient to determine the role of this variant in disease. Therefore, it has been classified as a Variant of Uncertain Significance. Experimental studies and prediction algorithms are not available or were not evaluated, and the functional significance of this variant is currently unknown. This variant, c.11233_11277del, results in the deletion of 15 amino acid(s) of the KMT2D protein (p.Gln3745_Gln3759del), but otherwise preserves the integrity of the reading frame. This variant is present in population databases (rs774171901, gnomAD 0.01%). This variant has not been reported in the literature in individuals affected with KMT2D-related conditions. ClinVar contains an entry for this variant (Variation ID: 2158053).

Blueprint Genetics
Classification: Likely benign. Last evaluated: 2019-11-26. Review status: criteria provided, single submitter. Criteria: ACMG Guidelines, 2015. Collection method: clinical testing. Allele origin: germline.